The following is an entry in ClinVar:

NM_000719.7(CACNA1C):c.400_401del (p.Ile134fs)

Gene: CACNA1C (calcium voltage-gated channel subunit alpha1 C; plus strand). Cytogenetic location: 12p13.33.
Variant type: Deletion.
Coding change: c.400_401del on transcript NM_000719.7 (MANE Select); coding-DNA positions 400 to 401, 2 bases deleted (AT; older notation c.400_401delAT).
Protein change: p.Ile134fs; shifts the reading frame from isoleucine 134.
Molecular consequence: frameshift variant.
Genome position (GRCh38, 1-based): chr12:2,120,353-2,120,354, AT deleted; deleting any 2 consecutive bases within chr12:2,120,352-2,120,354 gives the same sequence; the c. name uses the placement nearest the transcript's 3' end. VCF-style (leftmost placement, unchanged base first): chr12-2120351-CTA-C. GRCh37 (hg19) VCF-style: chr12-2229517-CTA-C.
Other names: c.400_401delAT, p.Ile134Phefs (NM_000719.6); c.400_401del, p.Ile134fs (NM_001129827.2, NM_001129829.2, NM_001129830.3 and 19 more transcripts); short protein forms I134fs.
Identifiers: ClinVar variation 2506866 (VCV002506866.2), dbSNP rs2547773063, ClinGen allele CA2580615112.
Genomic context (GRCh38, chr12:2,120,351, plus strand): 5'-CTGTGGCATTAACTTCCTTGACTCCCTTTCTCAGACCATTTGAAATAATTATTTTACTGA[CTA>C]TTTTTGCCAATTGTGTGGCCTTAGCGATCTATATTCCCTTTCCAGAAGATGATTCCAACG-3'

ClinVar aggregate classification (germline): Pathogenic (1 of 4 stars; one submission).

Submission:

GeneDx
Classification: Pathogenic. Last evaluated: 2025-10-09. Review status: criteria provided, single submitter. Criteria: GeneDx Variant Classification Process June 2021. Collection method: clinical testing. Allele origin: germline. Affected: yes.
Comment: Frameshift variant predicted to result in protein truncation or nonsense mediated decay in a gene for which loss of function is a known mechanism of disease; Not observed at significant frequency in large population cohorts (gnomAD); Has not been previously published as pathogenic or benign to our knowledge